The following is an entry in ClinVar:

NM_172058.2(EYA1):c.(?_1598-56)_(*1968_?)del

Gene: EYA1 (EYA transcriptional coactivator and phosphatase 1; minus strand). Cytogenetic location: 8q13.3.
Variant type: Deletion.
Coding change: c.(?_1598-56)_(*1968_?)del on transcript NM_172058.2; a large deletion whose breakpoints are not mapped to the base.
Identifiers: ClinVar variation 228344 (VCV000228344.4).

ClinVar aggregate classification (germline): Pathogenic (1 of 4 stars; one submission).

Conditions:
Rare genetic deafness. Identifiers: Orphanet 96210, MedGen C5680250.

Submission:

Laboratory for Molecular Medicine, Mass General Brigham Personalized Medicine
Classification: Pathogenic for Rare genetic deafness. Last evaluated: 2016-02-07. Review status: criteria provided, single submitter. Criteria: LMM Criteria. Collection method: clinical testing. Allele origin: germline. Inheritance: Autosomal dominant inheritance. Observed: 1 variant allele.
Comment: The exon 16-17 deletion in EYA1 (NM_172058.3), reported as exon 17-18 deletion o n transcript NM_000503, has not been previously reported in individuals with hea ring loss or branchio-oto-renal syndrome (BOR). However, a deletion within this region encompassing exon 17 and the entire 3' UTR has been previously identified in an individual with BOR (Brophy 2013). This deletion of the last two exons in the EYA1 gene is likely to result in a truncated or absent protein. Loss of fun ction of the EYA1 gene is an established mechanism for autosomal dominant branch io-oto-renal syndrome. In summary, this variant meets criteria to be classified as pathogenic for autosomal dominant branchio-oto-renal syndrome based on its pr edicted impact to the protein.

Literature cited by the submitters: PubMed 23851940.